The following is an entry in ClinVar:

NM_020810.3(TRMT5):c.1419C>G (p.Leu473=)

Gene: TRMT5 (tRNA methyltransferase 5; minus strand). Cytogenetic location: 14q23.1.
Variant type: single nucleotide variant.
Coding change: c.1419C>G on transcript NM_020810.3 (MANE Select); coding-DNA position 1419, C replaced by G.
Protein change: p.Leu473=; no amino-acid change (leucine 473 retained).
Molecular consequence: synonymous variant.
Genome position (GRCh38, 1-based): chr14:60,975,500, G>C on the plus strand (C>G on the coding strand, the complement: TRMT5 is on the minus strand). VCF-style: chr14-60975500-G-C. GRCh37 (hg19) VCF-style: chr14-61442218-G-C.
Other names: c.1503C>G, p.Leu501= (NM_001350253.1); c.1500C>G, p.Leu500= (NM_001350254.1).
Identifiers: ClinVar variation 3050603 (VCV003050603.2), dbSNP rs2502984794, ClinGen allele CA486956715.
Genomic context (GRCh38, chr14:60,975,500, plus strand): 5'-CAAGGTTTACATTTAATTTCCCAGAAACTGCTCACCTGGATTTCTGGTCTGGTTCTTGTA[G>C]AGGACAGAGGCAGGAATCTGAAACGTGATGCACAGCATTTCCTTGTTTGGGGCCACATTT-3'
Protein context (NP_065861.3, residues 463-483): CITFQIPASV[Leu473=]YKNQTRNPEN

ClinVar aggregate classification (germline): Likely benign (0 of 4 stars; one submission).

Conditions:
TRMT5-related disorder. Also called: TRMT5-related condition.

Submission:

PreventionGenetics, part of Exact Sciences
Classification: Likely benign for TRMT5-related condition. Last evaluated: 2022-03-21. Review status: no assertion criteria provided. Collection method: clinical testing. Allele origin: germline.
Comment: This variant is classified as likely benign based on ACMG/AMP sequence variant interpretation guidelines (Richards et al. 2015 PMID: 25741868, with internal and published modifications).